The following is an entry in ClinVar:

NM_181882.3(PRX):c.641C>T (p.Pro214Leu)

Gene: PRX (periaxin; minus strand). Cytogenetic location: 19q13.2.
Variant type: single nucleotide variant.
Coding change: c.641C>T on transcript NM_181882.3 (MANE Select); coding-DNA position 641, C replaced by T.
Protein change: p.Pro214Leu; replaces proline 214 with leucine.
Molecular consequence: missense variant. On other transcripts: 3 prime UTR variant (1).
Genome position (GRCh38, 1-based): chr19:40,397,711, G>A on the plus strand (C>T on the coding strand, the complement: PRX is on the minus strand). VCF-style: chr19-40397711-G-A. GRCh37 (hg19) VCF-style: chr19-40903618-G-A.
Other names: c.926C>T, p.Pro309Leu (NM_001411127.1); c.*846C>T (NM_020956.2); short protein forms P214L, P309L.
Identifiers: ClinVar variation 3899411 (VCV003899411.1).
Genomic context (GRCh38, chr19:40,397,711, plus strand): 5'-ACCTGAGGGGCTGTGAAACGAGCTCCTGCAGCCACCTCAGCCTCCACCTTGGCTTTCCTG[G>A]GGGGAGGAGCGGCGGCGGCCAGCCGGGCTGCCTGAGCCTCTTCGGCCACTTCTCGTACAC-3'
Protein context (NP_870998.2, residues 204-224): AARLAAAAPP[Pro214Leu]RKAKVEAEVA

ClinVar aggregate classification (germline): Uncertain significance (1 of 4 stars; one submission).

gnomAD v4.1: 2 of 1,561,896 alleles (0.00013%); highest among the groups gnomAD compares: African/African-American, 0.0013%; no homozygotes.

Submission:

GeneDx
Classification: Uncertain significance. Last evaluated: 2024-11-18. Review status: criteria provided, single submitter. Criteria: GeneDx Variant Classification Process June 2021. Collection method: clinical testing. Allele origin: germline. Affected: yes.
Comment: Not observed at significant frequency in large population cohorts (gnomAD); In silico analysis indicates that this missense variant does not alter protein structure/function; Has not been previously published as pathogenic or benign to our knowledge